The following is an entry in ClinVar:

NM_024548.4(CEP97):c.328G>A (p.Ala110Thr)

Gene: CEP97 (centrosomal protein 97; plus strand). Cytogenetic location: 3q12.3.
Variant type: single nucleotide variant.
Coding change: c.328G>A on transcript NM_024548.4 (MANE Select); coding-DNA position 328, G replaced by A.
Protein change: p.Ala110Thr; replaces alanine 110 with threonine.
Molecular consequence: missense variant.
Genome position (GRCh38, 1-based): chr3:101,727,524, G>A. VCF-style: chr3-101727524-G-A. GRCh37 (hg19) VCF-style: chr3-101446368-G-A.
Other names: c.328G>A, p.Ala110Thr (NM_001410784.1, NM_001410785.1, NM_001303401.2); short protein forms A110T.
Identifiers: ClinVar variation 3607399 (VCV003607399.2).
Genomic context (GRCh38, chr3:101,727,524, plus strand): 5'-AATAGCATTGGCTGTGTGGAAGGGCTAAAGGAACTAGTACATCTGGAATGGCTGAATTTG[G>A]CAGGAAATAATCTTAAGGTGAATGGTTTCTTTTTTGTTTACAAAACTATTCTGCGTAAAA-3'
Protein context (NP_078824.2, residues 100-120): ELVHLEWLNL[Ala110Thr]GNNLKAMEQI

ClinVar aggregate classification (germline): Uncertain significance (1 of 4 stars; one submission).

Submission:

Labcorp Genetics (formerly Invitae), Labcorp
Classification: Uncertain significance. Last evaluated: 2024-07-08. Review status: criteria provided, single submitter. Criteria: Invitae Variant Classification Sherloc (09022015). Collection method: clinical testing. Allele origin: germline.
Comment: This sequence change replaces alanine, which is neutral and non-polar, with threonine, which is neutral and polar, at codon 110 of the CEP97 protein (p.Ala110Thr). This variant is not present in population databases (gnomAD no frequency). This variant has not been reported in the literature in individuals affected with CEP97-related conditions. Advanced modeling of protein sequence and biophysical properties (such as structural, functional, and spatial information, amino acid conservation, physicochemical variation, residue mobility, and thermodynamic stability) performed at Invitae indicates that this missense variant is expected to disrupt CEP97 protein function with a positive predictive value of 80%. In summary, the available evidence is currently insufficient to determine the role of this variant in disease. Therefore, it has been classified as a Variant of Uncertain Significance.